The following is an entry in ClinVar:

ClinVar aggregate classification (germline): Conflicting classifications of pathogenicity. Review status: criteria provided, conflicting classifications (1 of 4 stars). 2 submissions from 2 submitters: Uncertain significance (1); Likely benign (1). Last evaluated 2025-06-09.

Conditions:
Anterior segment dysgenesis 7 (ASGD7). Also called: Anterior segment dysgenesis 7, with sclerocornea; SCLEROCORNEA WITH OTHER OCULAR ANOMALIES. Identifiers: Orphanet 289499, MedGen C3151617, MONDO:0010015, OMIM 269400.
Inborn genetic diseases. Identifiers: MedGen C0950123, MeSH D030342.

Submissions (2):

Labcorp Genetics (formerly Invitae), Labcorp
Classification: Uncertain significance for Anterior segment dysgenesis 7. Last evaluated: 2025-06-09. Review status: criteria provided, single submitter. Criteria: Invitae Variant Classification Sherloc (09022015). Collection method: clinical testing. Allele origin: germline.
Comment: This sequence change replaces valine, which is neutral and non-polar, with isoleucine, which is neutral and non-polar, at codon 421 of the PXDN protein (p.Val421Ile). This variant is present in population databases (rs747902384, gnomAD 0.01%). This variant has not been reported in the literature in individuals affected with PXDN-related conditions. ClinVar contains an entry for this variant (Variation ID: 3428625). Invitae Evidence Modeling of protein sequence and biophysical properties (such as structural, functional, and spatial information, amino acid conservation, physicochemical variation, residue mobility, and thermodynamic stability) indicates that this missense variant is not expected to disrupt PXDN protein function with a negative predictive value of 80%. In summary, the available evidence is currently insufficient to determine the role of this variant in disease. Therefore, it has been classified as a Variant of Uncertain Significance.

Ambry Genetics
Classification: Likely benign for Inborn genetic diseases. Last evaluated: 2024-08-27. Review status: criteria provided, single submitter. Criteria: Ambry Variant Classification Scheme 2023. Collection method: clinical testing. Allele origin: germline.

NM_012293.3(PXDN):c.1261G>A (p.Val421Ile)

Gene: PXDN (peroxidasin; minus strand). Cytogenetic location: 2p25.3.
Variant type: single nucleotide variant.
Coding change: c.1261G>A on transcript NM_012293.3 (MANE Select); coding-DNA position 1261, G replaced by A.
Protein change: p.Val421Ile; replaces valine 421 with isoleucine.
Molecular consequence: missense variant.
Genome position (GRCh38, 1-based): chr2:1,666,244, C>T on the plus strand (G>A on the coding strand, the complement: PXDN is on the minus strand). VCF-style: chr2-1666244-C-T. GRCh37 (hg19) VCF-style: chr2-1670016-C-T.
Other names: short protein forms V421I.
Identifiers: ClinVar variation 3428625 (VCV003428625.3).
Genomic context (GRCh38, chr2:1,666,244, plus strand): 5'-CTGGCTCTGGCACAGAGGATGGATACCCACCCTGGACGATGATGAAAGCGGTGGCATGGA[C>T]GCTGTCAATGTTGTTGGTCGCAGAGCACGCATACTCTCCGCTGTCCCCCTGTACGACGTT-3'
Protein context (NP_036425.1, residues 411-431): ACSATNNIDS[Val421Ile]HATAFIIVQA